The following is an entry in ClinVar:

NM_006005.3(WFS1):c.1135G>C (p.Asp379His)

Gene: WFS1 (wolframin ER transmembrane glycoprotein; plus strand). Cytogenetic location: 4p16.1.
Variant type: single nucleotide variant.
Coding change: c.1135G>C on transcript NM_006005.3 (MANE Select); coding-DNA position 1135, G replaced by C.
Protein change: p.Asp379His; replaces aspartic acid 379 with histidine.
Molecular consequence: missense variant.
Genome position (GRCh38, 1-based): chr4:6,300,930, G>C. VCF-style: chr4-6300930-G-C. GRCh37 (hg19) VCF-style: chr4-6302657-G-C.
Other names: c.1135G>C, p.Asp379His (NM_001145853.1); short protein forms D379H.
Identifiers: ClinVar variation 1485253 (VCV001485253.9), dbSNP rs772554352, ClinGen allele CA356174323.

ClinVar aggregate classification (germline): Uncertain significance. Review status: criteria provided, multiple submitters, no conflicts (2 of 4 stars). 2 submissions from 2 submitters: Uncertain significance (2). Last evaluated 2026-04-02.

gnomAD v4.1: 10 of 1,614,014 alleles (0.00062%); highest among the groups gnomAD compares: African/African-American, 0.0067%; no homozygotes.

Submissions (2):

GeneDx
Classification: Uncertain significance. Last evaluated: 2026-04-02. Review status: criteria provided, single submitter. Criteria: GeneDx Variant Classification Process June 2021. Collection method: clinical testing. Allele origin: germline.
Comment: Has not been previously published as pathogenic or benign to our knowledge; In silico analysis suggests that this missense variant does not alter protein structure/function

Labcorp Genetics (formerly Invitae), Labcorp
Classification: Uncertain significance. Last evaluated: 2021-03-24. Review status: criteria provided, single submitter. Criteria: Invitae Variant Classification Sherloc (09022015). Collection method: clinical testing. Allele origin: germline.
Comment: In summary, the available evidence is currently insufficient to determine the role of this variant in disease. Therefore, it has been classified as a Variant of Uncertain Significance. Advanced modeling of protein sequence and biophysical properties (such as structural, functional, and spatial information, amino acid conservation, physicochemical variation, residue mobility, and thermodynamic stability) performed at Invitae indicates that this missense variant is not expected to disrupt WFS1 protein function. This variant has not been reported in the literature in individuals with WFS1-related conditions. This variant is not present in population databases (ExAC no frequency). This sequence change replaces aspartic acid with histidine at codon 379 of the WFS1 protein (p.Asp379His). The aspartic acid residue is moderately conserved and there is a moderate physicochemical difference between aspartic acid and histidine.